The following is an entry in ClinVar:

NM_001205293.3(CACNA1E):c.1142A>G (p.Asn381Ser)

Gene: CACNA1E (calcium voltage-gated channel subunit alpha1 E; plus strand). Cytogenetic location: 1q25.3.
Variant type: single nucleotide variant.
Coding change: c.1142A>G on transcript NM_001205293.3 (MANE Select); coding-DNA position 1142, A replaced by G.
Protein change: p.Asn381Ser; replaces asparagine 381 with serine.
Molecular consequence: missense variant.
Genome position (GRCh38, 1-based): chr1:181,711,040, A>G. VCF-style: chr1-181711040-A-G. GRCh37 (hg19) VCF-style: chr1-181680176-A-G.
Other names: c.1142A>G (NM_001205293.1); c.1142A>G, p.Asn381Ser (NM_000721.4, NM_001205294.2); short protein forms N381S.
Identifiers: ClinVar variation 3371186 (VCV003371186.4).

ClinVar aggregate classification (germline): Uncertain significance. Review status: criteria provided, multiple submitters, no conflicts (2 of 4 stars). 3 submissions from 3 submitters: Uncertain significance (3). Last evaluated 2025-09-11.

Conditions:
Inborn genetic diseases. Identifiers: MedGen C0950123, MeSH D030342.

gnomAD v4.1: 1 of 1,613,844 alleles (0.000062%); highest among the groups gnomAD compares: Admixed American, 0.0017%; no homozygotes.

Submissions (3):

Ambry Genetics
Classification: Uncertain significance for Inborn genetic diseases. Last evaluated: 2025-09-11. Review status: criteria provided, single submitter. Criteria: Ambry Variant Classification Scheme 2023. Collection method: clinical testing. Allele origin: germline.

Labcorp Genetics (formerly Invitae), Labcorp
Classification: Uncertain significance. Last evaluated: 2025-08-13. Review status: criteria provided, single submitter. Criteria: Invitae Variant Classification Sherloc (09022015). Collection method: clinical testing. Allele origin: germline.
Comment: This sequence change replaces asparagine, which is neutral and polar, with serine, which is neutral and polar, at codon 381 of the CACNA1E protein (p.Asn381Ser). This variant is present in population databases (rs772327594, gnomAD 0.003%). This variant has not been reported in the literature in individuals affected with CACNA1E-related conditions. ClinVar contains an entry for this variant (Variation ID: 3371186). Invitae Evidence Modeling of protein sequence and biophysical properties (such as structural, functional, and spatial information, amino acid conservation, physicochemical variation, residue mobility, and thermodynamic stability) has been performed for this missense variant. However, the output from this modeling did not meet the statistical confidence thresholds required to predict the impact of this variant on CACNA1E protein function. In summary, the available evidence is currently insufficient to determine the role of this variant in disease. Therefore, it has been classified as a Variant of Uncertain Significance.

GeneDx
Classification: Uncertain significance. Last evaluated: 2024-03-26. Review status: criteria provided, single submitter. Criteria: GeneDx Variant Classification Process June 2021. Collection method: clinical testing. Allele origin: germline. Affected: yes.
Comment: In silico analysis supports that this missense variant has a deleterious effect on protein structure/function; Has not been previously published as pathogenic or benign to our knowledge